The following is an entry in ClinVar:

NM_198576.4(AGRN):c.5358T>C (p.Gly1786=)

Gene: AGRN (agrin; plus strand). Cytogenetic location: 1p36.33.
Variant type: single nucleotide variant.
Coding change: c.5358T>C on transcript NM_198576.4 (MANE Select); coding-DNA position 5358, T replaced by C.
Protein change: p.Gly1786=; no amino-acid change (glycine 1786 retained).
Molecular consequence: synonymous variant.
Genome position (GRCh38, 1-based): chr1:1,051,357, T>C. VCF-style: chr1-1051357-T-C. GRCh37 (hg19) VCF-style: chr1-986737-T-C.
Other names: p.Gly1786=; c.5358T>C (LRG_198t1); c.5370T>C, p.Gly1790= (NM_001305275.2); c.5055T>C, p.Gly1685= (NM_001364727.2).
Identifiers: ClinVar variation 128315 (VCV000128315.18), dbSNP rs17160781, ClinGen allele CA151675.

ClinVar aggregate classification (germline): Benign. Review status: criteria provided, multiple submitters, no conflicts (2 of 4 stars). 7 submissions from 7 submitters: Benign (6). 1 of the submissions does not count toward it. Last evaluated 2026-02-03.

Conditions:
Congenital myasthenic syndrome 8. Also called: Myasthenic syndrome, congenital, 8, with pre- and postsynaptic defects; MYASTHENIC SYNDROME, CONGENITAL, DUE TO AGRIN DEFICIENCY. Identifiers: Orphanet 590, MedGen C3808739, MONDO:0014052, OMIM 615120.

Allele frequency attached by ClinVar (database versions not stated): gnomAD exomes 0.01327 and 0.02211; ExAC 0.05003; ESP Exome Variant Server 0.07756; gnomAD 0.07808 and 0.08292; 1000 Genomes Project 0.07907; 1000 Genomes Project 30x 0.08385; TOPMed 0.08640.

Submissions (7):

Labcorp Genetics (formerly Invitae), Labcorp
Classification: Benign for Congenital myasthenic syndrome 8. Last evaluated: 2026-02-03. Review status: criteria provided, single submitter. Criteria: Invitae Variant Classification Sherloc (09022015). Collection method: clinical testing. Allele origin: germline.

Athena Diagnostics
Classification: Benign. Last evaluated: 2024-10-29. Review status: criteria provided, single submitter. Criteria: Athena Diagnostics Criteria. Collection method: clinical testing. Allele origin: unknown.

Mayo Clinic Laboratories, Mayo Clinic
Classification: Benign. Last evaluated: 2017-08-24. Review status: criteria provided, single submitter. Criteria: ACMG Guidelines, 2015. Collection method: clinical testing. Allele origin: germline. Observed: 24 variant alleles.

GeneDx
Classification: Benign. Last evaluated: 2016-09-20. Review status: criteria provided, single submitter. Criteria: GeneDx Variant Classification (06012015). Collection method: clinical testing. Allele origin: germline. Affected: yes.
Comment: This variant is considered likely benign or benign based on one or more of the following criteria: it is a conservative change, it occurs at a poorly conserved position in the protein, it is predicted to be benign by multiple in silico algorithms, and/or has population frequency not consistent with disease.

Breakthrough Genomics
Classification: Benign. Review status: criteria provided, single submitter. Criteria: ACMG Guidelines, 2015. Collection method: not provided. Allele origin: germline. Inheritance: Autosomal recessive inheritance. Affected: yes.

PreventionGenetics, part of Exact Sciences
Classification: Benign. Review status: criteria provided, single submitter. Criteria: ACMG Guidelines, 2015. Collection method: clinical testing. Allele origin: germline.

Genetic Services Laboratory, University of Chicago
Classification: Likely benign for AllHighlyPenetrant. Review status: no assertion criteria provided. Collection method: clinical testing. Allele origin: germline. Inheritance: Autosomal recessive inheritance. Not counted in ClinVar's aggregate classification.
Comment: Likely benign based on allele frequency in 1000 Genomes Project or ESP global frequency and its presence in a patient with a rare or unrelated disease phenotype. NOT Sanger confirmed.